The following is an entry in ClinVar:

ClinVar aggregate classification (germline): Conflicting classifications of pathogenicity. Review status: criteria provided, conflicting classifications (1 of 4 stars). 4 submissions from 4 submitters: Uncertain significance (3); Likely benign (1). Last evaluated 2023-12-18.

Conditions:
Hereditary cancer-predisposing syndrome. Also called: Neoplastic Syndromes, Hereditary; Hereditary Cancer Syndrome; Tumor predisposition; Hereditary neoplastic syndrome. Identifiers: Orphanet 140162, MedGen C0027672, MeSH D009386, MONDO:0015356.
Hereditary breast ovarian cancer syndrome. Also called: Hereditary breast and ovarian cancer syndrome; Hereditary breast and ovarian cancer; Hereditary breast and ovarian cancer syndrome (HBOC); Hereditary breast and/or ovarian cancer syndrome; Breast and ovarian cancer; BRCA1- and BRCA2-Associated Hereditary Breast and Ovarian Cancer. Identifiers: Orphanet 145, MedGen C0677776, MeSH D061325, MONDO:0003582. Disease mechanism: loss of function.
Breast-ovarian cancer, familial, susceptibility to, 2 (BROVCA2). Also called: BRCA2 Hereditary Breast and Ovarian Cancer. Identifiers: Orphanet 145, MedGen C2675520, MONDO:0012933, OMIM 612555. Disease mechanism: loss of function.

Allele frequency attached by ClinVar (database versions not stated): gnomAD exomes below 0.00001.
gnomAD v4.1: 1 of 1,612,620 alleles (0.000062%); highest among the groups gnomAD compares: Admixed American, 0.0017%; no homozygotes.

Submissions (4):

All of Us Research Program, National Institutes of Health
Classification: Uncertain significance for Breast-ovarian cancer, familial, susceptibility to, 2. Last evaluated: 2023-12-18. Review status: criteria provided, single submitter. Criteria: ACMG Guidelines, 2015. Collection method: clinical testing. Allele origin: germline. Inheritance: Autosomal dominant inheritance. Observed: 1 variant allele, 1 heterozygote.
Comment: This missense variant replaces phenylalanine with leucine at codon 354 of the BRCA2 protein. Computational prediction suggests that this variant may not impact protein structure and function (internally defined REVEL score threshold <= 0.5, PMID: 27666373). To our knowledge, functional studies have not been reported for this variant. This variant has not been reported in individuals affected with BRCA2-related disorders in the literature. This variant has been identified in 1/248752 chromosomes in the general population by the Genome Aggregation Database (gnomAD). The available evidence is insufficient to determine the role of this variant in disease conclusively. Therefore, this variant is classified as a Variant of Uncertain Significance.

This study involves interpretation of variants in research participants for the purpose of population health screening. Participant phenotype was not available at the time of variant classification. Additional details can be found in publication PMID: 35346344, PMCID: PMC8962531

Ambry Genetics
Classification: Uncertain significance for Hereditary cancer-predisposing syndrome. Last evaluated: 2023-04-19. Review status: criteria provided, single submitter. Criteria: Ambry Variant Classification Scheme 2023. Collection method: clinical testing. Allele origin: germline.
Comment: The p.F354L variant (also known as c.1060T>C), located in coding exon 9 of the BRCA2 gene, results from a T to C substitution at nucleotide position 1060. The phenylalanine at codon 354 is replaced by leucine, an amino acid with highly similar properties. This amino acid position is not well conserved in available vertebrate species. In addition, this alteration is predicted to be tolerated by in silico analysis. Since supporting evidence is limited at this time, the clinical significance of this alteration remains unclear.

University of Washington Department of Laboratory Medicine, University of Washington
Classification: Likely benign for Hereditary cancer-predisposing syndrome. Last evaluated: 2023-03-23. Review status: criteria provided, single submitter. Criteria: Dines et al. (Genet Med. 2020). Collection method: curation. Allele origin: germline.
Comment: Missense variant in a coldspot region where missense variants are very unlikely to be pathogenic (PMID:31911673).

BRCA2 exon 10 coldspot. Reclassification based on statistical prior probability.

Labcorp Genetics (formerly Invitae), Labcorp
Classification: Uncertain significance for Hereditary breast ovarian cancer syndrome. Last evaluated: 2023-02-27. Review status: criteria provided, single submitter. Criteria: Invitae Variant Classification Sherloc (09022015). Collection method: clinical testing. Allele origin: germline.
Comment: This sequence change replaces phenylalanine, which is neutral and non-polar, with leucine, which is neutral and non-polar, at codon 354 of the BRCA2 protein (p.Phe354Leu). This variant is present in population databases (no rsID available, gnomAD 0.003%). This variant has not been reported in the literature in individuals affected with BRCA2-related conditions. ClinVar contains an entry for this variant (Variation ID: 1470462). Advanced modeling of protein sequence and biophysical properties (such as structural, functional, and spatial information, amino acid conservation, physicochemical variation, residue mobility, and thermodynamic stability) performed at Invitae indicates that this missense variant is not expected to disrupt BRCA2 protein function. In summary, the available evidence is currently insufficient to determine the role of this variant in disease. Therefore, it has been classified as a Variant of Uncertain Significance.

NM_000059.4(BRCA2):c.1060T>C (p.Phe354Leu)

Gene: BRCA2 (BRCA2 DNA repair associated; plus strand). Cytogenetic location: 13q13.1.
Variant type: single nucleotide variant.
Coding change: c.1060T>C on transcript NM_000059.4 (MANE Select); coding-DNA position 1060, T replaced by C.
Protein change: p.Phe354Leu; replaces phenylalanine 354 with leucine.
Molecular consequence: missense variant.
Genome position (GRCh38, 1-based): chr13:32,332,538, T>C. VCF-style: chr13-32332538-T-C. GRCh37 (hg19) VCF-style: chr13-32906675-T-C.
Other names: c.1060T>C (NM_000059.3); short protein forms F354L.
Identifiers: ClinVar variation 1470462 (VCV001470462.10), dbSNP rs1318579197, ClinGen allele CA387761340.